The following is an entry in ClinVar:

ClinVar aggregate classification (germline): Uncertain significance (1 of 4 stars; one submission).

gnomAD v4.1: 36 of 1,612,524 alleles (0.0022%); highest among the groups gnomAD compares: Non-Finnish European, 0.0028%; no homozygotes.

Submission:

Labcorp Genetics (formerly Invitae), Labcorp
Classification: Uncertain significance. Last evaluated: 2022-01-27. Review status: criteria provided, single submitter. Criteria: Invitae Variant Classification Sherloc (09022015). Collection method: clinical testing. Allele origin: germline.
Comment: This sequence change falls in intron 7 of the LRRC56 gene. It does not directly change the encoded amino acid sequence of the LRRC56 protein. It affects a nucleotide within the consensus splice site. This variant is present in population databases (no rsID available, gnomAD 0.002%). This variant has not been reported in the literature in individuals affected with LRRC56-related conditions. Variants that disrupt the consensus splice site are a relatively common cause of aberrant splicing (PMID: 17576681, 9536098). Algorithms developed to predict the effect of sequence changes on RNA splicing suggest that this variant may disrupt the consensus splice site. In summary, the available evidence is currently insufficient to determine the role of this variant in disease. Therefore, it has been classified as a Variant of Uncertain Significance.

Literature cited by the submitters: PubMed 17576681; PubMed 9536098.

NM_198075.4(LRRC56):c.423+3G>C

Gene: LRRC56 (leucine rich repeat containing 56; plus strand). Cytogenetic location: 11p15.5.
Variant type: single nucleotide variant.
Coding change: c.423+3G>C on transcript NM_198075.4 (MANE Select); 3 bases into the intron after coding-DNA position 423, G replaced by C.
Molecular consequence: intron variant.
Genome position (GRCh38, 1-based): chr11:550,001, G>C. VCF-style: chr11-550001-G-C. GRCh37 (hg19) VCF-style: chr11-550001-G-C.
Identifiers: ClinVar variation 2192029 (VCV002192029.1), dbSNP rs763955150, ClinGen allele CA216894580.